The following is an entry in ClinVar:

NM_000075.4(CDK4):c.820-7_820-6insG

Genes: TSPAN31 (tetraspanin 31; plus strand), MIR6759 (microRNA 6759; minus strand), CDK4 (cyclin dependent kinase 4; minus strand). Cytogenetic location: 12q14.1.
Variant type: Insertion.
Coding change: c.820-7_820-6insG on transcript NM_000075.4 (MANE Select); 7 bases into the intron before coding-DNA position 820 through 6 bases into the intron before coding-DNA position 820, G inserted.
Molecular consequence: intron variant. On other transcripts: non-coding transcript variant (1), 3 prime UTR variant (3).
Genome position: GRCh38 VCF-style: chr12-57748623-G-GC. GRCh37 (hg19) VCF-style: chr12-58142406-G-GC.
Other names: c.*1333_*1334insC (NM_001330168.2, NM_001330169.2, NM_005981.5).
Identifiers: ClinVar variation 2117827 (VCV002117827.5), dbSNP rs2540893293, ClinGen allele CA2580086579.

ClinVar aggregate classification (germline): Likely benign. Review status: criteria provided, multiple submitters, no conflicts (2 of 4 stars). 2 submissions from 2 submitters: Likely benign (2). Last evaluated 2024-09-26.

Conditions:
Melanoma, cutaneous malignant, susceptibility to, 3. Also called: Cutaneous malignant melanoma 3. Identifiers: Orphanet 618, MedGen C1836892, MONDO:0012183, OMIM 609048.
Familial melanoma. Also called: Hereditary melanoma; Hereditary cutaneous melanoma. Identifiers: Orphanet 618, MedGen C1512419, MONDO:0018961.

Submissions (2):

Myriad Genetics, Inc.
Classification: Likely benign for Melanoma, cutaneous malignant, susceptibility to, 3. Last evaluated: 2024-09-26. Review status: criteria provided, single submitter. Criteria: Myriad Autosomal Dominant, Autosomal Recessive and X-Linked Classification Criteria (2023). Collection method: clinical testing. Allele origin: unknown.
Comment: This variant is considered likely benign. This variant is intronic and is not expected to impact mRNA splicing.

Labcorp Genetics (formerly Invitae), Labcorp
Classification: Likely benign for Familial melanoma. Last evaluated: 2024-01-24. Review status: criteria provided, single submitter. Criteria: Invitae Variant Classification Sherloc (09022015). Collection method: clinical testing. Allele origin: germline.